The following is an entry in ClinVar:

NM_000059.4(BRCA2):c.6187_6197del (p.Gly2063fs)

Gene: BRCA2 (BRCA2 DNA repair associated; plus strand). Cytogenetic location: 13q13.1.
Variant type: Deletion.
Coding change: c.6187_6197del on transcript NM_000059.4 (MANE Select); coding-DNA positions 6187 to 6197, 11 bases deleted (GGAAAGCAAGT).
Protein change: p.Gly2063fs; shifts the reading frame from glycine 2063.
Molecular consequence: frameshift variant.
Genome position (GRCh38, 1-based): chr13:32,340,542-32,340,552, GGAAAGCAAGT deleted; deleting any 11 consecutive bases within chr13:32,340,535-32,340,552 gives the same sequence; the c. name uses the placement nearest the transcript's 3' end. VCF-style (leftmost placement, unchanged base first): chr13-32340534-CAGCAAGTGGAA-C. GRCh37 (hg19) VCF-style: chr13-32914671-CAGCAAGTGGAA-C.
Other names: c.6187_6197del11 (NM_000059.3); short protein forms G2063fs.
Identifiers: ClinVar variation 483058 (VCV000483058.9), dbSNP rs1555284584, ClinGen allele CA658656418.

ClinVar aggregate classification (germline): Pathogenic. Review status: criteria provided, multiple submitters, no conflicts (2 of 4 stars). 2 submissions from 2 submitters: Pathogenic (2). Last evaluated 2026-08-10.

Conditions:
Hereditary breast ovarian cancer syndrome. Also called: Hereditary breast and/or ovarian cancer syndrome; BRCA1- and BRCA2-Associated Hereditary Breast and Ovarian Cancer; Hereditary breast and ovarian cancer syndrome; Breast and ovarian cancer; Hereditary breast and ovarian cancer; Hereditary breast and ovarian cancer syndrome (HBOC). Identifiers: Orphanet 145, MedGen C0677776, MeSH D061325, MONDO:0003582. Disease mechanism: loss of function.
Hereditary cancer-predisposing syndrome. Also called: Neoplastic Syndromes, Hereditary; Hereditary neoplastic syndrome; Hereditary Cancer Syndrome; Tumor predisposition. Identifiers: Orphanet 140162, MedGen C0027672, MeSH D009386, MONDO:0015356.

Submissions (2):

Ambry Genetics
Classification: Pathogenic for Hereditary cancer-predisposing syndrome. Last evaluated: 2026-08-10. Review status: criteria provided, single submitter. Criteria: Ambry Variant Classification Scheme 2023. Collection method: clinical testing. Allele origin: germline.
Comment: The c.6187_6197del11 pathogenic mutation, located in coding exon 10 of the BRCA2 gene, results from a deletion of 11 nucleotides at nucleotide positions 6187 to 6197, causing a translational frameshift with a predicted alternate stop codon (p.G2063Ffs*11). This variant is considered to be rare based on population cohorts in the Genome Aggregation Database (gnomAD). This alteration is expected to result in loss of function by premature protein truncation or nonsense-mediated mRNA decay. As such, this alteration is interpreted as a disease-causing mutation.

Labcorp Genetics (formerly Invitae), Labcorp
Classification: Pathogenic for Hereditary breast ovarian cancer syndrome. Last evaluated: 2024-01-20. Review status: criteria provided, single submitter. Criteria: Invitae Variant Classification Sherloc (09022015). Collection method: clinical testing. Allele origin: germline.
Comment: This sequence change creates a premature translational stop signal (p.Gly2063Phefs*11) in the BRCA2 gene. It is expected to result in an absent or disrupted protein product. Loss-of-function variants in BRCA2 are known to be pathogenic (PMID: 20104584). This variant is not present in population databases (gnomAD no frequency). This variant has not been reported in the literature in individuals affected with BRCA2-related conditions. ClinVar contains an entry for this variant (Variation ID: 483058). For these reasons, this variant has been classified as Pathogenic.

Literature cited by the submitters: PubMed 20104584 (cited by Labcorp Genetics (formerly Invitae), Labcorp).